The following is an entry in ClinVar:

NM_000414.4(HSD17B4):c.113-2248T>C

Gene: HSD17B4 (hydroxysteroid 17-beta dehydrogenase 4; plus strand). Cytogenetic location: 5q23.1.
Variant type: single nucleotide variant.
Coding change: c.113-2248T>C on transcript NM_000414.4 (MANE Select); 2248 bases into the intron before coding-DNA position 113, T replaced by C.
Molecular consequence: intron variant. On other transcripts: synonymous variant (1), 5 prime UTR variant (3).
Genome position (GRCh38, 1-based): chr5:119,471,660, T>C. VCF-style: chr5-119471660-T-C. GRCh37 (hg19) VCF-style: chr5-118807355-T-C.
Other names: c.147T>C, p.Pro49= (NM_001199291.3); c.-1T>C (NM_001292027.2); c.-209T>C (NM_001374499.1); c.-345T>C (NM_001374503.1); c.-304-2248T>C (NM_001374502.1); c.-426-2248T>C (NM_001374500.1); c.-299-2248T>C (NM_001374501.1, NM_001292028.2); c.113-2248T>C (NM_001374498.1, NM_001374497.1); and 1 more.
Identifiers: ClinVar variation 227433 (VCV000227433.4), dbSNP rs876657476, ClinGen allele CA10576643.

ClinVar aggregate classification (germline): Likely benign (1 of 4 stars; one submission).

Submission:

Laboratory for Molecular Medicine, Mass General Brigham Personalized Medicine
Classification: Likely benign. Last evaluated: 2016-01-12. Review status: criteria provided, single submitter. Criteria: LMM Criteria. Collection method: clinical testing. Allele origin: germline. Observed: 1 variant allele.
Comment: p.Pro49Pro in exon 3 of HSD17B4: This variant is not expected to have clinical s ignificance because it does not alter an amino acid residue and is not located w ithin the splice consensus sequence.